The following is an entry in ClinVar:

NM_000263.4(NAGLU):c.763A>T (p.Arg255Trp)

Gene: NAGLU (N-acetyl-alpha-glucosaminidase; plus strand). Cytogenetic location: 17q21.2.
Variant type: single nucleotide variant.
Coding change: c.763A>T on transcript NM_000263.4 (MANE Select); coding-DNA position 763, A replaced by T.
Protein change: p.Arg255Trp; replaces arginine 255 with tryptophan.
Molecular consequence: missense variant.
Genome position (GRCh38, 1-based): chr17:42,538,754, A>T. VCF-style: chr17-42538754-A-T. GRCh37 (hg19) VCF-style: chr17-40690772-A-T.
Other names: short protein forms R255W.
Identifiers: ClinVar variation 2097230 (VCV002097230.4), dbSNP rs2510653962, ClinGen allele CA399599153.

ClinVar aggregate classification (germline): Uncertain significance (1 of 4 stars; one submission).

Conditions:
Charcot-Marie-Tooth disease axonal type 2V. Also called: CHARCOT-MARIE-TOOTH NEUROPATHY, TYPE 2V; CHARCOT-MARIE-TOOTH DISEASE, AXONAL, AUTOSOMAL DOMINANT, TYPE 2V. Identifiers: Orphanet 447964, MedGen C5569050, MONDO:0014665, OMIM 616491.
Mucopolysaccharidosis, MPS-III-B (MPS3B). Also called: N-ACETYL-ALPHA-D-GLUCOSAMINIDASE DEFICIENCY; NAGLU DEFICIENCY; SANFILIPPO SYNDROME B; MPS III B; MUCOPOLYSACCHARIDOSIS, TYPE IIIB; MPS IIIB (Sanfilippo Syndrome Type B). Identifiers: Orphanet 79270, MedGen C0086648, MONDO:0009656, OMIM 252920.

gnomAD v4.1: 1 of 1,613,910 alleles (0.000062%); highest among the groups gnomAD compares: Non-Finnish European, 0.000085%; no homozygotes.

Submission:

Labcorp Genetics (formerly Invitae), Labcorp
Classification: Uncertain significance for Charcot-Marie-Tooth disease axonal type 2V; Mucopolysaccharidosis, MPS-III-B. Last evaluated: 2022-02-12. Review status: criteria provided, single submitter. Criteria: Invitae Variant Classification Sherloc (09022015). Collection method: clinical testing. Allele origin: germline.
Comment: In summary, the available evidence is currently insufficient to determine the role of this variant in disease. Therefore, it has been classified as a Variant of Uncertain Significance. Algorithms developed to predict the effect of sequence changes on RNA splicing suggest that this variant may disrupt the consensus splice site. Algorithms developed to predict the effect of missense changes on protein structure and function are either unavailable or do not agree on the potential impact of this missense change (SIFT: "Deleterious"; PolyPhen-2: "Probably Damaging"; Align-GVGD: "Class C15"). This variant has not been reported in the literature in individuals affected with NAGLU-related conditions. This variant is not present in population databases (gnomAD no frequency). This sequence change replaces arginine, which is basic and polar, with tryptophan, which is neutral and slightly polar, at codon 255 of the NAGLU protein (p.Arg255Trp).